The following is an entry in ClinVar:

ClinVar aggregate classification (germline): Likely pathogenic. Review status: criteria provided, multiple submitters, no conflicts (2 of 4 stars). 2 submissions from 2 submitters: Likely pathogenic (2). Last evaluated 2024-10-15.

Conditions:
Hypertrophic cardiomyopathy. Also called: HYPERTROPHIC MYOCARDIOPATHY. Identifiers: Orphanet 217569, MedGen C0007194, MeSH D002312, MONDO:0005045, HP:0001639.
Hypertrophic cardiomyopathy 1 (CMH1). Also called: MYH7-Related Familial Hypertrophic Cardiomyopathy; Familial hypertrophic cardiomyopathy 1. Identifiers: MedGen C3495498, MONDO:0008647, OMIM 192600.

Submissions (2):

3billion
Classification: Likely pathogenic for Hypertrophic cardiomyopathy 1. Last evaluated: 2024-10-15. Review status: criteria provided, single submitter. Criteria: ACMG Guidelines, 2015. Collection method: clinical testing. Allele origin: germline. Affected: yes.
Comment: The variant is not observed in the gnomAD v4.1.0 dataset. Predicted Consequence/Location: The variant is located in a mutational hot spot and/or well-established functional domain in which established pathogenic variants have been reported (PMID: 29300372). In silico tool predictions suggest damaging effect of the variant on gene or gene product [REVEL: 0.63 (>=0.6, sensitivity 0.68 and specificity 0.92); 3Cnet: 0.99 (>=0.6, sensitivity 0.72 and precision 0.9)]. The same nucleotide change resulting in the same amino acid change has been previously reported to be associated with MYH7 related disorder (ClinVar ID: VCV001929447 /PMID: 32380161 /3billion dataset).Different missense changes at the same codon (p.Arg869Cys, p.Arg869Gly, p.Arg869His) have been reported as pathogenic/likely pathogenic with strong evidence (ClinVar ID: VCV000177667, VCV000181196 /PMID: 10862102, 10900182). Therefore, this variant is classified as Likely pathogenic according to the recommendation of ACMG/AMP guideline.

Labcorp Genetics (formerly Invitae), Labcorp
Classification: Likely pathogenic for Hypertrophic cardiomyopathy. Last evaluated: 2022-04-19. Review status: criteria provided, single submitter. Criteria: Invitae Variant Classification Sherloc (09022015). Collection method: clinical testing. Allele origin: germline.
Comment: This missense change has been observed in individuals with hypertrophic cardiomyopathy (PMID: 32380161; Invitae). This sequence change replaces arginine, which is basic and polar, with proline, which is neutral and non-polar, at codon 869 of the MYH7 protein (p.Arg869Pro). This variant is not present in population databases (gnomAD no frequency). Algorithms developed to predict the effect of missense changes on protein structure and function (SIFT, PolyPhen-2, Align-GVGD) all suggest that this variant is likely to be disruptive. This variant disrupts the p.Arg869 amino acid residue in MYH7. Other variant(s) that disrupt this residue have been determined to be pathogenic (PMID: 17180650, 20359594, 23674513, 24093860, 25078086). This suggests that this residue is clinically significant, and that variants that disrupt this residue are likely to be disease-causing. In summary, the currently available evidence indicates that the variant is pathogenic, but additional data are needed to prove that conclusively. Therefore, this variant has been classified as Likely Pathogenic. This variant is found within a region of MYH7 between codons 181 and 937 that contains the majority of the myosin head domain. Missense variants in this region have been shown to be significantly overrepresented in individuals with hypertrophic cardiomyopathy (PMID: 27532257).

Literature cited by the submitters: PubMed 10862102 (cited by 3billion); PubMed 32380161 (cited by 3billion and Labcorp Genetics (formerly Invitae), Labcorp); PubMed 17180650 (cited by Labcorp Genetics (formerly Invitae), Labcorp); PubMed 20359594 (cited by Labcorp Genetics (formerly Invitae), Labcorp); PubMed 23674513 (cited by Labcorp Genetics (formerly Invitae), Labcorp); PubMed 24093860 (cited by Labcorp Genetics (formerly Invitae), Labcorp); PubMed 25078086 (cited by Labcorp Genetics (formerly Invitae), Labcorp); PubMed 27532257 (cited by Labcorp Genetics (formerly Invitae), Labcorp).

NM_000257.4(MYH7):c.2606G>C (p.Arg869Pro)

Genes: MYH7 (myosin heavy chain 7; minus strand), LOC126861898 (BRD4-independent group 4 enhancer GRCh37_chr14:23893609-23894808; plus strand). Cytogenetic location: 14q11.2.
Variant type: single nucleotide variant.
Coding change: c.2606G>C on transcript NM_000257.4 (MANE Select); coding-DNA position 2606, G replaced by C.
Protein change: p.Arg869Pro; replaces arginine 869 with proline.
Molecular consequence: missense variant.
Genome position (GRCh38, 1-based): chr14:23,424,842, C>G on the plus strand (G>C on the coding strand, the complement: MYH7 is on the minus strand). VCF-style: chr14-23424842-C-G. GRCh37 (hg19) VCF-style: chr14-23894051-C-G.
Other names: c.2606G>C, p.Arg869Pro (NM_001407004.1); short protein forms R869P.
Identifiers: ClinVar variation 1929447 (VCV001929447.6), dbSNP rs202141173, ClinGen allele CA389048026.